The following is an entry in ClinVar:

ClinVar aggregate classification (germline): Uncertain significance. Review status: criteria provided, multiple submitters, no conflicts (2 of 4 stars). 2 submissions from 2 submitters: Uncertain significance (2). Last evaluated 2023-05-17.

Conditions:
Dyskeratosis congenita, autosomal dominant 2. Identifiers: MedGen C3151443, MONDO:0013521, OMIM 613989.
Idiopathic Pulmonary Fibrosis. Also called: Idiopathic fibrosing alveolitis, chronic form; idiopathic fibrosing alveolitis. Identifiers: Orphanet 2032, MedGen C1800706, MeSH D054990, MONDO:0800504.

Allele frequency attached by ClinVar (database versions not stated): gnomAD exomes below 0.00001; TOPMed below 0.00001; ExAC 0.00001; gnomAD 0.00001.
gnomAD v4.1: 3 of 1,613,328 alleles (0.00019%); highest among the groups gnomAD compares: African/African-American, 0.0013%; no homozygotes.

Submissions (2):

Mayo Clinic Laboratories, Mayo Clinic
Classification: Uncertain significance. Last evaluated: 2023-05-17. Review status: criteria provided, single submitter. Criteria: ACMG Guidelines, 2015. Collection method: clinical testing. Allele origin: germline. Observed: 4 variant alleles.
Comment: PP2, PM2_supporting

Labcorp Genetics (formerly Invitae), Labcorp
Classification: Uncertain significance for Dyskeratosis congenita, autosomal dominant 2; Idiopathic Pulmonary Fibrosis. Last evaluated: 2022-08-31. Review status: criteria provided, single submitter. Criteria: Invitae Variant Classification Sherloc (09022015). Collection method: clinical testing. Allele origin: germline.
Comment: In summary, the available evidence is currently insufficient to determine the role of this variant in disease. Therefore, it has been classified as a Variant of Uncertain Significance. Advanced modeling of protein sequence and biophysical properties (such as structural, functional, and spatial information, amino acid conservation, physicochemical variation, residue mobility, and thermodynamic stability) performed at Invitae indicates that this missense variant is expected to disrupt TERT protein function. This variant has not been reported in the literature in individuals affected with TERT-related conditions. This variant is present in population databases (rs767166646, gnomAD 0.003%). This sequence change replaces arginine, which is basic and polar, with tryptophan, which is neutral and slightly polar, at codon 599 of the TERT protein (p.Arg599Trp).

Literature cited by the submitters: PubMed 35171259 (cited by Mayo Clinic Laboratories, Mayo Clinic).

NM_198253.3(TERT):c.1795C>T (p.Arg599Trp)

Gene: TERT (telomerase reverse transcriptase; minus strand). Cytogenetic location: 5p15.33.
Variant type: single nucleotide variant.
Coding change: c.1795C>T on transcript NM_198253.3 (MANE Select); coding-DNA position 1795, C replaced by T.
Protein change: p.Arg599Trp; replaces arginine 599 with tryptophan.
Molecular consequence: missense variant. On other transcripts: non-coding transcript variant (2).
Genome position (GRCh38, 1-based): chr5:1,280,313, G>A on the plus strand (C>T on the coding strand, the complement: TERT is on the minus strand). VCF-style: chr5-1280313-G-A. GRCh37 (hg19) VCF-style: chr5-1280428-G-A.
Other names: p.Arg599Trp; c.1795C>T, p.Arg599Trp (NM_001193376.3, NM_003219.1); short protein forms R599W.
Identifiers: ClinVar variation 2160452 (VCV002160452.5), dbSNP rs767166646, ClinGen allele CA3184753.